The following is an entry in ClinVar:

NM_001033855.3(DCLRE1C):c.2002C>T (p.Gln668Ter)

Gene: DCLRE1C (DNA cross-link repair 1C; minus strand). Cytogenetic location: 10p13.
Variant type: single nucleotide variant.
Coding change: c.2002C>T on transcript NM_001033855.3 (MANE Select); coding-DNA position 2002, C replaced by T.
Protein change: p.Gln668Ter; replaces glutamine 668 with a stop codon.
Molecular consequence: nonsense. On other transcripts: non-coding transcript variant (3), intron variant (3).
Genome position (GRCh38, 1-based): chr10:14,908,485, G>A on the plus strand (C>T on the coding strand, the complement: DCLRE1C is on the minus strand). VCF-style: chr10-14908485-G-A. GRCh37 (hg19) VCF-style: chr10-14950484-G-A.
Other names: c.1642C>T, p.Gln548Ter (NM_001033857.3, NM_001033858.3, NM_001289077.2 and 1 more transcripts); c.1657C>T, p.Gln553Ter (NM_001289076.2, NM_001289078.2, NM_022487.4); c.1437+220C>T (NM_001350966.2); c.1782+220C>T (NM_001350965.2); c.1422+220C>T (NM_001350967.2); short protein forms Q668*, Q548*, Q553*.
Identifiers: ClinVar variation 653983 (VCV000653983.5), dbSNP rs1409082603, ClinGen allele CA376074101.

ClinVar aggregate classification (germline): Uncertain significance. Review status: criteria provided, single submitter (1 of 4 stars). 2 submissions from 2 submitters: Uncertain significance (1). 1 of the submissions does not count toward it. Last evaluated 2021-09-29.

Conditions:
Athabaskan severe combined immunodeficiency (SCIDA). Also called: Severe combined immunodeficiency, athabascan-type. Identifiers: MedGen C1865370.
Severe combined immunodeficiency due to DCLRE1C deficiency (RS-SCID). Also called: SCID, AUTOSOMAL RECESSIVE, T CELL-NEGATIVE, B CELL-NEGATIVE, NK CELL-POSITIVE, WITH SENSITIVITY TO IONIZING RADIATION. Identifiers: Orphanet 275, MedGen C1865371, MONDO:0011225, OMIM 602450.

Allele frequency attached by ClinVar (database versions not stated): TOPMed below 0.00001; gnomAD exomes below 0.00001.
gnomAD v4.1: 2 of 1,613,940 alleles (0.00012%); highest among the groups gnomAD compares: Non-Finnish European, 0.000085%; no homozygotes.

Submissions (2):

Labcorp Genetics (formerly Invitae), Labcorp
Classification: Uncertain significance for Athabaskan severe combined immunodeficiency. Last evaluated: 2021-09-29. Review status: criteria provided, single submitter. Criteria: Invitae Variant Classification Sherloc (09022015). Collection method: clinical testing. Allele origin: germline.
Comment: This sequence change creates a premature translational stop signal (p.Gln668*) in the DCLRE1C gene. While this is not anticipated to result in nonsense mediated decay, it is expected to disrupt the last 25 amino acid(s) of the DCLRE1C protein. This variant is not present in population databases (ExAC no frequency). This variant has not been reported in the literature in individuals affected with DCLRE1C-related conditions. Experimental studies and prediction algorithms are not available or were not evaluated, and the functional significance of this variant is currently unknown. In summary, the available evidence is currently insufficient to determine the role of this variant in disease. Therefore, it has been classified as a Variant of Uncertain Significance.

Natera, Inc.
Classification: Uncertain significance for Athabascan severe combined immunodeficiency. Last evaluated: 2020-10-23. Review status: no assertion criteria provided. Collection method: clinical testing. Allele origin: germline. Not counted in ClinVar's aggregate classification.